The following is an entry in ClinVar:

ClinVar aggregate classification (germline): Uncertain significance. Review status: criteria provided, multiple submitters, no conflicts (2 of 4 stars). 2 submissions from 2 submitters: Uncertain significance (2). Last evaluated 2022-08-01.

Conditions:
Hereditary diffuse gastric adenocarcinoma (HDGC). Also called: DIFFUSE GASTRIC AND LOBULAR BREAST CANCER SYNDROME. Identifiers: Orphanet 26106, MedGen C1708349, MONDO:0007648, OMIM 137215.

Submissions (2):

European Reference Network on Genetic Tumour Risk Syndromes (ERN-GENTURIS), i3s - Instituto de Investigação e Inovação em Saúde, University of Porto
Classification: Uncertain significance for Hereditary diffuse gastric adenocarcinoma. Last evaluated: 2022-08-01. Review status: criteria provided, single submitter. Criteria: Lee et al. (Hum Mutat. 2018). Collection method: clinical testing. Allele origin: germline. Inheritance: Autosomal dominant inheritance. Affected: yes. Study: ERN GENTURIS.
Comment: PS4_Supporting; PM2 (PMID: 30311375)

Labcorp Genetics (formerly Invitae), Labcorp
Classification: Uncertain significance for Hereditary diffuse gastric adenocarcinoma. Last evaluated: 2020-01-11. Review status: criteria provided, single submitter. Criteria: Invitae Variant Classification Sherloc (09022015). Collection method: clinical testing. Allele origin: germline.
Comment: In summary, the available evidence is currently insufficient to determine the role of this variant in disease. Therefore, it has been classified as a Variant of Uncertain Significance. This variant has been reported to affect CDH1 protein function (PMID: 16924464, 19268661). This variant has been observed in individuals affected with hereditary diffuse gastric cancer (PMID: 16924464, 28688938, Invitae). This variant is not present in population databases (ExAC no frequency). This sequence change replaces leucine with proline at codon 214 of the CDH1 protein (p.Leu214Pro). The leucine residue is highly conserved and there is a moderate physicochemical difference between leucine and proline.

Literature cited by the submitters: PubMed 36436516 (cited by European Reference Network on Genetic Tumour Risk Syndromes (ERN-GENTURIS), i3s - Instituto de Investigação e Inovação em Saúde, University of Porto); PubMed 28688938 (cited by European Reference Network on Genetic Tumour Risk Syndromes (ERN-GENTURIS), i3s - Instituto de Investigação e Inovação em Saúde, University of Porto and Labcorp Genetics (formerly Invitae), Labcorp); PubMed 16924464 (cited by Labcorp Genetics (formerly Invitae), Labcorp); PubMed 19268661 (cited by Labcorp Genetics (formerly Invitae), Labcorp).

NM_004360.5(CDH1):c.641T>C (p.Leu214Pro)

Gene: CDH1 (cadherin 1; plus strand). Cytogenetic location: 16q22.1.
Variant type: single nucleotide variant.
Coding change: c.641T>C on transcript NM_004360.5 (MANE Select); coding-DNA position 641, T replaced by C.
Protein change: p.Leu214Pro; replaces leucine 214 with proline.
Molecular consequence: missense variant. On other transcripts: 5 prime UTR variant (2).
Genome position (GRCh38, 1-based): chr16:68,808,802, T>C. VCF-style: chr16-68808802-T-C. GRCh37 (hg19) VCF-style: chr16-68842705-T-C.
Other names: c.641T>C (NM_004360.4); c.641T>C, p.Leu214Pro (NM_001317184.2); c.-975T>C (NM_001317185.2); c.-1179T>C (NM_001317186.2); short protein forms L214P.
Identifiers: ClinVar variation 952002 (VCV000952002.10), dbSNP rs1960741733, ClinGen allele CA396458069.